The following is an entry in ClinVar:

ClinVar aggregate classification (germline): Uncertain significance. Review status: criteria provided, multiple submitters, no conflicts (2 of 4 stars). 2 submissions from 2 submitters: Uncertain significance (2). Last evaluated 2024-01-29.

Conditions:
Inborn genetic diseases. Identifiers: MedGen C0950123, MeSH D030342.
Charcot-Marie-Tooth disease axonal type 2O. Also called: Charcot-Marie-Tooth disease, axonal, type 20; CHARCOT-MARIE-TOOTH NEUROPATHY, AXONAL, TYPE 2O; CHARCOT-MARIE-TOOTH DISEASE, AXONAL, AUTOSOMAL DOMINANT, TYPE 2O; Charcot-Marie-Tooth Neuropathy Type 2O. Identifiers: Orphanet 284232, MedGen C3280220, MONDO:0013644, OMIM 614228.

Allele frequency attached by ClinVar (database versions not stated): gnomAD exomes below 0.00001; gnomAD 0.00001; TOPMed 0.00001; ExAC 0.00002.
gnomAD v4.1: 4 of 1,614,056 alleles (0.00025%); highest among the groups gnomAD compares: East Asian, 0.0089%; no homozygotes.

Submissions (2):

Labcorp Genetics (formerly Invitae), Labcorp
Classification: Uncertain significance for Charcot-Marie-Tooth disease axonal type 2O. Last evaluated: 2024-01-29. Review status: criteria provided, single submitter. Criteria: Invitae Variant Classification Sherloc (09022015). Collection method: clinical testing. Allele origin: germline.
Comment: This sequence change replaces alanine, which is neutral and non-polar, with glycine, which is neutral and non-polar, at codon 1747 of the DYNC1H1 protein (p.Ala1747Gly). This variant is present in population databases (rs757314893, gnomAD 0.01%). This variant has not been reported in the literature in individuals affected with DYNC1H1-related conditions. ClinVar contains an entry for this variant (Variation ID: 2300244). An algorithm developed to predict the effect of missense changes on protein structure and function (PolyPhen-2) suggests that this variant is likely to be disruptive. In summary, the available evidence is currently insufficient to determine the role of this variant in disease. Therefore, it has been classified as a Variant of Uncertain Significance.

Ambry Genetics
Classification: Uncertain significance for Inborn genetic diseases. Last evaluated: 2022-07-08. Review status: criteria provided, single submitter. Criteria: Ambry Variant Classification Scheme 2023. Collection method: clinical testing. Allele origin: germline.

NM_001376.5(DYNC1H1):c.5240C>G (p.Ala1747Gly)

Gene: DYNC1H1 (dynein cytoplasmic 1 heavy chain 1; plus strand). Cytogenetic location: 14q32.31.
Variant type: single nucleotide variant.
Coding change: c.5240C>G on transcript NM_001376.5 (MANE Select); coding-DNA position 5240, C replaced by G.
Protein change: p.Ala1747Gly; replaces alanine 1747 with glycine.
Molecular consequence: missense variant.
Genome position (GRCh38, 1-based): chr14:102,005,043, C>G. VCF-style: chr14-102005043-C-G. GRCh37 (hg19) VCF-style: chr14-102471380-C-G.
Other names: short protein forms A1747G.
Identifiers: ClinVar variation 2300244 (VCV002300244.5), dbSNP rs757314893, ClinGen allele CA7352384.